The following is an entry in ClinVar:

NM_000517.6(HBA2):c.-3_-2del

Genes: HBA2 (hemoglobin subunit alpha 2; plus strand), LOC106804612 (hemoglobin subunit alpha 2 recombination region; plus strand). Cytogenetic location: 16p13.3.
Variant type: Deletion.
Coding change: c.-3_-2del on transcript NM_000517.6 (MANE Select); 3 bases upstream of the start codon through 2 bases upstream of the start codon, 2 bases deleted (AC; older notation c.-3_-2delAC).
Molecular consequence: 5 prime UTR variant.
Genome position (GRCh38, 1-based): chr16:172,910-172,911, AC deleted; deleting any 2 consecutive bases within chr16:172,909-172,911 gives the same sequence; the c. name uses the placement nearest the transcript's 3' end. VCF-style (leftmost placement, unchanged base first): chr16-172908-CCA-C. GRCh37 (hg19) VCF-style: chr16-222907-CCA-C.
Other names: c.-3_-2delAC (NM_000517.6).
Identifiers: ClinVar variation 2637482 (VCV002637482.1), dbSNP rs1902035067, ClinGen allele CA2200880169.

ClinVar aggregate classification (germline): Uncertain significance (1 of 4 stars; one submission).

Submission:

Women's Health and Genetics/Laboratory Corporation of America, LabCorp
Classification: Uncertain significance. Last evaluated: 2023-10-26. Review status: criteria provided, single submitter. Criteria: LabCorp Variant Classification Summary - May 2015. Collection method: clinical testing. Allele origin: germline.
Comment: Variant summary: HBA2 c.-3_-2delAC is located in the untranslated mRNA region upstream of the initiation codon. Consensus agreement among computation tools predict no significant impact on normal splicing. At least one study showed this variant did not affect mRNA splicing (Morle_1985). The variant was absent in 53060 control chromosomes (gnomAD). c.-3_-2delAC has been reported in the literature in one individual affected with Alpha Thalassemia (Morle_1985). These data indicate that the variant may be associated with disease. At least one publication reports experimental evidence evaluating an impact on protein function and this variant leads to a 30-45% reduction in translation efficiency in vitro (Morle_1986). The following publications have been ascertained in the context of this evaluation (PMID: 4006915, 3703675). No submitters have cited clinical-significance assessments for this variant to ClinVar after 2014. Based on the evidence outlined above, the variant was classified as VUS-possibly pathogenic.

Literature cited by the submitters: PubMed 4006915; PubMed 3703675.